The following is an entry in ClinVar:

ClinVar aggregate classification (germline): Pathogenic (1 of 4 stars; one submission).

Conditions:
Landau-Kleffner syndrome (FESD). Also called: EPILEPSY, FOCAL, WITH SPEECH DISORDER AND WITH OR WITHOUT MENTAL RETARDATION; APHASIA, ACQUIRED, WITH EPILEPSY. Identifiers: Orphanet 1945, Orphanet 725, Orphanet 98818, MedGen C0282512, MONDO:0009509, OMIM 245570.

Submission:

Labcorp Genetics (formerly Invitae), Labcorp
Classification: Pathogenic for Landau-Kleffner syndrome. Last evaluated: 2023-11-13. Review status: criteria provided, single submitter. Criteria: Invitae Variant Classification Sherloc (09022015). Collection method: clinical testing. Allele origin: germline.
Comment: This sequence change creates a premature translational stop signal (p.Gly20Alafs*115) in the GRIN2A gene. It is expected to result in an absent or disrupted protein product. Loss-of-function variants in GRIN2A are known to be pathogenic (PMID: 23933819, 23933820). This variant is not present in population databases (gnomAD no frequency). This variant has not been reported in the literature in individuals affected with GRIN2A-related conditions. For these reasons, this variant has been classified as Pathogenic.

Literature cited by the submitters: PubMed 23933819; PubMed 23933820.

NM_001134407.3(GRIN2A):c.59_66del (p.Gly20fs)

Gene: GRIN2A (glutamate ionotropic receptor NMDA type subunit 2A; minus strand). Cytogenetic location: 16p13.2.
Variant type: Deletion.
Coding change: c.59_66del on transcript NM_001134407.3 (MANE Select); coding-DNA positions 59 to 66, 8 bases deleted (GTCCGGCG; older notation c.59_66delGTCCGGCG).
Protein change: p.Gly20fs; shifts the reading frame from glycine 20.
Molecular consequence: frameshift variant.
Genome position (GRCh38, 1-based): chr16:10,180,346-10,180,353, CGCCGGAC deleted on the plus strand (GTCCGGCG on the coding strand, the reverse complement: GRIN2A is on the minus strand); deleting any 8 consecutive bases within chr16:10,180,346-10,180,356 gives the same sequence; the c. name uses the placement nearest the transcript's 3' end. VCF-style (leftmost placement, unchanged base first): chr16-10180345-GCGCCGGAC-G. GRCh37 (hg19) VCF-style: chr16-10274202-GCGCCGGAC-G.
Other names: c.59_66del, p.Gly20fs (NM_000833.5, NM_001134408.2); short protein forms G20fs.
Identifiers: ClinVar variation 2846400 (VCV002846400.3), dbSNP rs2544033057, ClinGen allele CA2739266590.